The following is an entry in ClinVar:

ClinVar aggregate classification (germline): Uncertain significance. Review status: criteria provided, multiple submitters, no conflicts (2 of 4 stars). 3 submissions from 3 submitters: Uncertain significance (3). Last evaluated 2025-12-08.

Conditions:
MHC class II deficiency. Also called: Bare lymphocyte syndrome 2; BLS, TYPE II. Identifiers: Orphanet 572, MedGen C5447452, MONDO:0008855.
Inborn genetic diseases. Identifiers: MedGen C0950123, MeSH D030342.

Allele frequency attached by ClinVar (database versions not stated): TOPMed 0.00006; gnomAD 0.00009 and 0.00008.

Submissions (3):

Ambry Genetics
Classification: Uncertain significance for Inborn genetic diseases. Last evaluated: 2025-12-08. Review status: criteria provided, single submitter. Criteria: Ambry Variant Classification Scheme 2023. Collection method: clinical testing. Allele origin: germline.

Labcorp Genetics (formerly Invitae), Labcorp
Classification: Uncertain significance for MHC class II deficiency. Last evaluated: 2024-12-12. Review status: criteria provided, single submitter. Criteria: Invitae Variant Classification Sherloc (09022015). Collection method: clinical testing. Allele origin: germline.
Comment: This sequence change replaces arginine, which is basic and polar, with cysteine, which is neutral and slightly polar, at codon 141 of the RFXANK protein (p.Arg141Cys). This variant is present in population databases (rs779039407, gnomAD 0.01%). This variant has not been reported in the literature in individuals affected with RFXANK-related conditions. ClinVar contains an entry for this variant (Variation ID: 328644). Invitae Evidence Modeling of protein sequence and biophysical properties (such as structural, functional, and spatial information, amino acid conservation, physicochemical variation, residue mobility, and thermodynamic stability) indicates that this missense variant is not expected to disrupt RFXANK protein function with a negative predictive value of 80%. In summary, the available evidence is currently insufficient to determine the role of this variant in disease. Therefore, it has been classified as a Variant of Uncertain Significance.

Illumina Laboratory Services, Illumina
Classification: Uncertain significance for MHC class II deficiency 1. Last evaluated: 2018-01-13. Review status: criteria provided, single submitter. Criteria: ICSL Variant Classification Criteria 13 December 2019. Collection method: clinical testing. Allele origin: germline.

NM_003721.4(RFXANK):c.421C>T (p.Arg141Cys)

Gene: RFXANK (regulatory factor X associated ankyrin containing protein; plus strand). Cytogenetic location: 19p13.11.
Variant type: single nucleotide variant.
Coding change: c.421C>T on transcript NM_003721.4 (MANE Select); coding-DNA position 421, C replaced by T.
Protein change: p.Arg141Cys; replaces arginine 141 with cysteine.
Molecular consequence: missense variant.
Genome position (GRCh38, 1-based): chr19:19,197,604, C>T. VCF-style: chr19-19197604-C-T. GRCh37 (hg19) VCF-style: chr19-19308413-C-T.
Other names: c.421C>T (NM_003721.2); c.355C>T, p.Arg119Cys (NM_001278727.2, NM_001370234.1); c.352C>T, p.Arg118Cys (NM_001278728.2, NM_134440.3); c.421C>T, p.Arg141Cys (NM_001370233.1, NM_001370238.1); c.418C>T, p.Arg140Cys (NM_001370235.1, NM_001370236.1, NM_001370237.1); short protein forms R141C, R118C, R140C, R119C.
Identifiers: ClinVar variation 328644 (VCV000328644.9), dbSNP rs779039407, ClinGen allele CA9322734.